The following is an entry in ClinVar:

NM_001128205.2(SULF1):c.1283A>C (p.Asn428Thr)

Gene: SULF1 (sulfatase 1; plus strand). Cytogenetic location: 8q13.3.
Variant type: single nucleotide variant.
Coding change: c.1283A>C on transcript NM_001128205.2 (MANE Select); coding-DNA position 1283, A replaced by C.
Protein change: p.Asn428Thr; replaces asparagine 428 with threonine.
Molecular consequence: missense variant. On other transcripts: non-coding transcript variant (3).
Genome position (GRCh38, 1-based): chr8:69,604,838, A>C. VCF-style: chr8-69604838-A-C. GRCh37 (hg19) VCF-style: chr8-70517073-A-C.
Other names: c.1283A>C, p.Asn428Thr (NM_001128204.2, NM_001128206.2, NM_015170.3); short protein forms N428T.
Identifiers: ClinVar variation 1461123 (VCV001461123.8), dbSNP rs1462152942, ClinGen allele CA371227220.
Genomic context (GRCh38, chr8:69,604,838, plus strand): 5'-CGAAGCTTTTCCCTTTTTGTCGAAGCAAATTTCTACGTAAGAAGGAAGAATCCAGCAAGA[A>C]TATCCAACAGTCAAATCACTTGCCCAAATATGAACGGGTCAAAGAACTATGCCAGCAGGC-3'
Protein context (NP_001121677.1, residues 418-438): FLRKKEESSK[Asn428Thr]IQQSNHLPKY

ClinVar aggregate classification (germline): Uncertain significance (1 of 4 stars; one submission).

Allele frequency attached by ClinVar (database versions not stated): gnomAD exomes below 0.00001 and 0.00001; gnomAD 0.00001.
gnomAD v4.1: 11 of 1,614,110 alleles (0.00068%); highest among the groups gnomAD compares: Admixed American, 0.018%; 1 homozygote.

Submission:

Labcorp Genetics (formerly Invitae), Labcorp
Classification: Uncertain significance. Last evaluated: 2024-03-20. Review status: criteria provided, single submitter. Criteria: Invitae Variant Classification Sherloc (09022015). Collection method: clinical testing. Allele origin: germline.
Comment: This sequence change replaces asparagine, which is neutral and polar, with threonine, which is neutral and polar, at codon 428 of the SULF1 protein (p.Asn428Thr). This variant is present in population databases (no rsID available, gnomAD 0.003%). This variant has not been reported in the literature in individuals affected with SULF1-related conditions. ClinVar contains an entry for this variant (Variation ID: 1461123). Algorithms developed to predict the effect of missense changes on protein structure and function output the following: SIFT: "Not Available"; PolyPhen-2: "Benign"; Align-GVGD: "Not Available". The threonine amino acid residue is found in multiple mammalian species, which suggests that this missense change does not adversely affect protein function. In summary, the available evidence is currently insufficient to determine the role of this variant in disease. Therefore, it has been classified as a Variant of Uncertain Significance.